The following is an entry in ClinVar:

ClinVar aggregate classification (germline): Uncertain significance (1 of 4 stars; one submission).

Submission:

Labcorp Genetics (formerly Invitae), Labcorp
Classification: Uncertain significance. Last evaluated: 2021-09-27. Review status: criteria provided, single submitter. Criteria: Invitae Variant Classification Sherloc (09022015). Collection method: clinical testing. Allele origin: germline.
Comment: This sequence change creates a premature translational stop signal (p.Pro293Glnfs*3) in the COL10A1 gene. While this is not anticipated to result in nonsense mediated decay, it is expected to disrupt the last 388 amino acid(s) of the COL10A1 protein. This variant is not present in population databases (ExAC no frequency). This variant has not been reported in the literature in individuals affected with COL10A1-related conditions. In summary, the available evidence is currently insufficient to determine the role of this variant in disease. Therefore, it has been classified as a Variant of Uncertain Significance.

NM_000493.4(COL10A1):c.861_877dup (p.Pro293delinsGlnGluTer)

Genes: COL10A1 (collagen type X alpha 1 chain; minus strand), NT5DC1 (5'-nucleotidase domain containing 1; plus strand). Cytogenetic location: 6q22.1.
Variant type: Duplication.
Coding change: c.861_877dup on transcript NM_000493.4 (MANE Select); coding-DNA positions 861 to 877, 17 bases duplicated (AGGAATAGCTGGGCCCC).
Protein change: p.Pro293delinsGlnGluTer.
Molecular consequence: nonsense. On other transcripts: intron variant (1).
Genome position (GRCh38, 1-based): chr6:116,121,239-116,121,255, GGGGCCCAGCTATTCCT duplicated on the plus strand (AGGAATAGCTGGGCCCC on the coding strand, the reverse complement: COL10A1 is on the minus strand); duplicating any 17 consecutive bases within chr6:116,121,239-116,121,257 gives the same sequence; the c. name uses the placement nearest the transcript's 3' end. VCF-style (leftmost placement, unchanged base first): chr6-116121238-G-GGGGGCCCAGCTATTCCT. GRCh37 (hg19) VCF-style: chr6-116442401-G-GGGGGCCCAGCTATTCCT.
Other names: c.861_877dup, p.Pro293delinsGlnGluTer (NM_001424107.1, NM_001424106.1); c.529+3296_529+3312dup (NM_152729.3).
Identifiers: ClinVar variation 1483052 (VCV001483052.6), dbSNP rs2114286963, ClinGen allele CA2573140421.